The following is an entry in ClinVar:

ClinVar aggregate classification (germline): Uncertain significance (1 of 4 stars; one submission).

Conditions:
Familial thoracic aortic aneurysm and aortic dissection (TAAD). Also called: Thoracic aortic aneurysms and dissections. Identifiers: Orphanet 91387, MedGen C4707243, MONDO:0019625.

Submission:

Color Diagnostics, LLC DBA Color Health
Classification: Uncertain significance for Familial thoracic aortic aneurysm and aortic dissection. Last evaluated: 2024-03-06. Review status: criteria provided, single submitter. Criteria: ACMG Guidelines, 2015. Collection method: clinical testing. Allele origin: germline.
Comment: This missense variant replaces glutamic acid with aspartic acid at codon 1484 of the MYH11 protein. Computational prediction suggests that this variant may not impact protein structure and function (internally defined REVEL score threshold <= 0.5, PMID: 27666373). Splice site prediction tools suggest that this variant may not impact RNA splicing. To our knowledge, functional studies have not been performed for this variant. This variant has not been reported in individuals affected with cardiovascular disorders in the literature. This variant has not been identified in the general population by the Genome Aggregation Database (gnomAD). The available evidence is insufficient to determine the role of this variant in disease conclusively. Therefore, this variant is classified as a Variant of Uncertain Significance.

NM_002474.3(MYH11):c.4431A>C (p.Glu1477Asp)

Genes: NDE1 (nudE neurodevelopment protein 1; plus strand), MYH11 (myosin heavy chain 11; minus strand). Cytogenetic location: 16p13.11.
Variant type: single nucleotide variant.
Coding change: c.4431A>C on transcript NM_002474.3 (MANE Select); coding-DNA position 4431, A replaced by C.
Protein change: p.Glu1477Asp; replaces glutamic acid 1477 with aspartic acid.
Molecular consequence: missense variant. On other transcripts: intron variant (2).
Genome position (GRCh38, 1-based): chr16:15,721,569, T>G on the plus strand (A>C on the coding strand, the complement: MYH11 is on the minus strand). VCF-style: chr16-15721569-T-G. GRCh37 (hg19) VCF-style: chr16-15815426-T-G.
Other names: c.4452A>C, p.Glu1484Asp (NM_001040113.2, NM_001040114.2); c.4431A>C, p.Glu1477Asp (NM_022844.3); c.948-2622T>G (NM_001143979.2, NM_017668.3); short protein forms E1484D, E1477D.
Identifiers: ClinVar variation 926501 (VCV000926501.4), dbSNP rs2040485781, ClinGen allele CA394855400.